The following is an entry in ClinVar:

ClinVar aggregate classification (germline): Conflicting classifications of pathogenicity. Review status: criteria provided, conflicting classifications (1 of 4 stars). 2 submissions from 2 submitters: Uncertain significance (1); Likely benign (1). Last evaluated 2025-04-17.

Conditions:
COL11A2-related disorder. Also called: COL11A2-related condition; COL11A2-related disorders.

Allele frequency attached by ClinVar (database versions not stated): TOPMed below 0.00001; gnomAD 0.00001.
gnomAD v4.1: 6 of 1,612,504 alleles (0.00037%); highest among the groups gnomAD compares: Middle Eastern, 0.017%; no homozygotes.

Submissions (2):

Labcorp Genetics (formerly Invitae), Labcorp
Classification: Likely benign. Last evaluated: 2025-04-17. Review status: criteria provided, single submitter. Criteria: Invitae Variant Classification Sherloc (09022015). Collection method: clinical testing. Allele origin: germline.

PreventionGenetics, part of Exact Sciences
Classification: Uncertain significance for COL11A2-related condition. Last evaluated: 2023-09-21. Review status: criteria provided, single submitter. Criteria: ACMG Guidelines, 2015. Collection method: clinical testing. Allele origin: germline.
Comment: The COL11A2 c.2425C>G variant is predicted to result in the amino acid substitution p.Pro809Ala. To our knowledge, this variant has not been reported in the literature. This variant is reported in 0.00091% of alleles in individuals of European (Non-Finnish) descent in gnomAD. At this time, the clinical significance of this variant is uncertain due to the absence of conclusive functional and genetic evidence.

NM_080680.3(COL11A2):c.2425C>G (p.Pro809Ala)

Gene: COL11A2 (collagen type XI alpha 2 chain; minus strand). Cytogenetic location: 6p21.32.
Variant type: single nucleotide variant.
Coding change: c.2425C>G on transcript NM_080680.3 (MANE Select); coding-DNA position 2425, C replaced by G.
Protein change: p.Pro809Ala; replaces proline 809 with alanine.
Molecular consequence: missense variant.
Genome position (GRCh38, 1-based): chr6:33,174,532, G>C on the plus strand (C>G on the coding strand, the complement: COL11A2 is on the minus strand). VCF-style: chr6-33174532-G-C. GRCh37 (hg19) VCF-style: chr6-33142309-G-C.
Other names: c.2104C>G, p.Pro702Ala (NM_080679.3); c.2167C>G, p.Pro723Ala (NM_080681.3); c.2425C>G (NM_080680.2); short protein forms P702A, P809A, P723A.
Identifiers: ClinVar variation 1365894 (VCV001365894.7), dbSNP rs1483323590, ClinGen allele CA363644121.
Genomic context (GRCh38, chr6:33,174,532, plus strand): 5'-GAAGCGAAGAGGAGGAGGGAAGAGGAGGAGGGGCACGTATGGGGCATGGCATCACCTTGG[G>C]TCCCTGACGTCCAGGATAGCCAGGCAGACCAGGAACACCCAGCTTGCCCTGTGGAGGGAC-3'
Protein context (NP_542411.2, residues 799-819): GLPGYPGRQG[Pro809Ala]KGSLGFPGFP